The following is an entry in ClinVar:

ClinVar aggregate classification (germline): Conflicting classifications of pathogenicity. Review status: criteria provided, conflicting classifications (1 of 4 stars). 3 submissions from 3 submitters: Uncertain significance (2); Likely benign (1). Last evaluated 2025-12-22.

Conditions:
Hereditary cancer-predisposing syndrome. Also called: Neoplastic Syndromes, Hereditary; Tumor predisposition; Hereditary neoplastic syndrome; Hereditary Cancer Syndrome. Identifiers: Orphanet 140162, MedGen C0027672, MeSH D009386, MONDO:0015356.
Intellectual disability, autosomal dominant 16 (CSS4). Also called: COFFIN-SIRIS SYNDROME 4. Identifiers: Orphanet 1465, MedGen C3553249, MONDO:0013821, OMIM 614609.
Rhabdoid tumor predisposition syndrome 2 (RTPS2). Identifiers: Orphanet 231108, Orphanet 69077, MedGen C2750074, MONDO:0013224, OMIM 613325.

Allele frequency attached by ClinVar (database versions not stated): TOPMed 0.00002; ExAC 0.00008.

Submissions (3):

Labcorp Genetics (formerly Invitae), Labcorp
Classification: Uncertain significance for Rhabdoid tumor predisposition syndrome 2. Last evaluated: 2025-12-22. Review status: criteria provided, single submitter. Criteria: Invitae Variant Classification Sherloc (09022015). Collection method: clinical testing. Allele origin: germline.
Comment: This sequence change replaces proline, which is neutral and non-polar, with threonine, which is neutral and polar, at codon 230 of the SMARCA4 protein (p.Pro230Thr). This variant is not present in population databases (gnomAD no frequency). This variant has not been reported in the literature in individuals affected with SMARCA4-related conditions. ClinVar contains an entry for this variant (Variation ID: 642893). An algorithm developed to predict the effect of missense changes on protein structure and function (PolyPhen-2) suggests that this variant is likely to be disruptive. In summary, the available evidence is currently insufficient to determine the role of this variant in disease. Therefore, it has been classified as a Variant of Uncertain Significance.

Ambry Genetics
Classification: Likely benign for Hereditary cancer-predisposing syndrome. Last evaluated: 2023-02-07. Review status: criteria provided, single submitter. Criteria: Ambry Variant Classification Scheme 2023. Collection method: clinical testing. Allele origin: germline.

Genome-Nilou Lab
Classification: Uncertain significance for Intellectual disability, autosomal dominant 16. Last evaluated: 2021-07-15. Review status: criteria provided, single submitter. Criteria: ACMG Guidelines, 2015. Collection method: clinical testing. Allele origin: germline. Affected: no.

NM_003072.5(SMARCA4):c.688C>A (p.Pro230Thr)

Gene: SMARCA4 (SWI/SNF related BAF chromatin remodeling complex subunit ATPase 4; plus strand). Cytogenetic location: 19p13.2.
Variant type: single nucleotide variant.
Coding change: c.688C>A on transcript NM_003072.5 (MANE Select); coding-DNA position 688, C replaced by A.
Protein change: p.Pro230Thr; replaces proline 230 with threonine.
Molecular consequence: missense variant. On other transcripts: non-coding transcript variant (1).
Genome position (GRCh38, 1-based): chr19:10,986,521, C>A. VCF-style: chr19-10986521-C-A. GRCh37 (hg19) VCF-style: chr19-11097197-C-A.
Other names: c.688C>A, p.Pro230Thr (NM_001128844.3, NM_001128845.2, NM_001128846.2 and 5 more transcripts); short protein forms P230T.
Identifiers: ClinVar variation 642893 (VCV000642893.15), dbSNP rs760294422, ClinGen allele CA9203543.
Genomic context (GRCh38, chr19:10,986,521, plus strand): 5'-ATGCCCGGGATGCAGCAGCAGATGCCAACGCTACCTCCACCCTCGGTGTCCGCAACAGGA[C>A]CCGGCCCTGGCCCTGGCCCTGGCCCCGGCCCGGGTCCCGGCCCGGCACCTCCAAATTACA-3'
Protein context (NP_003063.2, residues 220-240): LPPPSVSATG[Pro230Thr]GPGPGPGPGP